The following is an entry in ClinVar:

ClinVar aggregate classification (germline): Likely benign. Review status: criteria provided, multiple submitters, no conflicts (2 of 4 stars). 3 submissions from 3 submitters: Likely benign (3). Last evaluated 2019-10-07.

Conditions:
Autosomal recessive nonsyndromic hearing loss 8 (DFNB8). Also called: NEUROSENSORY NONSYNDROMIC RECESSIVE DEAFNESS 8; Deafness, autosomal recessive 10. Identifiers: Orphanet 90636, MedGen C1832827, MONDO:0010987, OMIM 601072.

Allele frequency attached by ClinVar (database versions not stated): gnomAD exomes 0.00134 and 0.00279; ExAC 0.00578; 1000 Genomes Project 30x 0.01062; 1000 Genomes Project 0.01098; gnomAD 0.01167 and 0.01262; TOPMed 0.01299.
gnomAD v4.1: 2,608 of 753,430 alleles (0.35%); highest among the groups gnomAD compares: African/African-American, 3.9%; 57 homozygotes.

Submissions (3):

GeneDx
Classification: Likely benign. Last evaluated: 2019-10-07. Review status: criteria provided, single submitter. Criteria: GeneDx Variant Classification Process June 2021. Collection method: clinical testing. Allele origin: germline. Affected: yes.

Illumina Laboratory Services, Illumina
Classification: Likely benign for Autosomal recessive nonsyndromic hearing loss 8. Last evaluated: 2018-01-13. Review status: criteria provided, single submitter. Criteria: ICSL Variant Classification Criteria 13 December 2019. Collection method: clinical testing. Allele origin: germline.
Comment: This variant was observed in the ICSL laboratory as part of a predisposition screen in an ostensibly healthy population. It had not been previously curated by ICSL or reported in the Human Gene Mutation Database (HGMD: prior to June 1st, 2018), and was therefore a candidate for classification through an automated scoring system. Utilizing variant allele frequency, disease prevalence and penetrance estimates, and inheritance mode, an automated score was calculated to assess if this variant is too frequent to cause the disease. Based on the score and internal cut-off values, a variant classified as likely benign is not then subjected to further curation. The score for this variant resulted in a classification of likely benign for this disease.

Breakthrough Genomics
Classification: Likely benign. Review status: criteria provided, single submitter. Criteria: ACMG Guidelines, 2015. Collection method: not provided. Allele origin: germline. Inheritance: Autosomal recessive inheritance. Affected: yes.

NM_001256317.3(TMPRSS3):c.*189T>C

Gene: TMPRSS3 (transmembrane serine protease 3; minus strand). Cytogenetic location: 21q22.3.
Variant type: single nucleotide variant.
Coding change: c.*189T>C on transcript NM_001256317.3 (MANE Select); 189 bases downstream of the stop codon, T replaced by C.
Molecular consequence: 3 prime UTR variant.
Genome position (GRCh38, 1-based): chr21:42,372,573, A>G on the plus strand (T>C on the coding strand, the complement: TMPRSS3 is on the minus strand). VCF-style: chr21-42372573-A-G. GRCh37 (hg19) VCF-style: chr21-43792682-A-G.
Other names: c.*189T>C (NM_024022.4, NM_032404.3).
Identifiers: ClinVar variation 896878 (VCV000896878.7), dbSNP rs114813487, ClinGen allele CA10042178.